The following is an entry in ClinVar:

NM_178170.3(NEK8):c.1925G>A (p.Arg642Gln)

Gene: NEK8 (NIMA related kinase 8; plus strand). Cytogenetic location: 17q11.2.
Variant type: single nucleotide variant.
Coding change: c.1925G>A on transcript NM_178170.3 (MANE Select); coding-DNA position 1925, G replaced by A.
Protein change: p.Arg642Gln; replaces arginine 642 with glutamine.
Molecular consequence: missense variant.
Genome position (GRCh38, 1-based): chr17:28,741,446, G>A. VCF-style: chr17-28741446-G-A. GRCh37 (hg19) VCF-style: chr17-27068464-G-A.
Other names: short protein forms R642Q.
Identifiers: ClinVar variation 889071 (VCV000889071.5), dbSNP rs1284135777, ClinGen allele CA398358853.

ClinVar aggregate classification (germline): Uncertain significance. Review status: criteria provided, multiple submitters, no conflicts (2 of 4 stars). 2 submissions from 2 submitters: Uncertain significance (2). Last evaluated 2025-03-25.

Conditions:
Nephronophthisis 9 (NPHP9). Identifiers: Orphanet 655, MedGen C3151188, MONDO:0013444, OMIM 613824.

Allele frequency attached by ClinVar (database versions not stated): gnomAD 0.00001; gnomAD exomes 0.00001; TOPMed 0.00002.

Submissions (2):

Labcorp Genetics (formerly Invitae), Labcorp
Classification: Uncertain significance for Nephronophthisis 9. Last evaluated: 2025-03-25. Review status: criteria provided, single submitter. Criteria: Invitae Variant Classification Sherloc (09022015). Collection method: clinical testing. Allele origin: germline.
Comment: This sequence change replaces arginine, which is basic and polar, with glutamine, which is neutral and polar, at codon 642 of the NEK8 protein (p.Arg642Gln). This variant is present in population databases (no rsID available, gnomAD 0.002%). This variant has not been reported in the literature in individuals affected with NEK8-related conditions. ClinVar contains an entry for this variant (Variation ID: 889071). An algorithm developed to predict the effect of missense changes on protein structure and function (PolyPhen-2) suggests that this variant is likely to be disruptive. In summary, the available evidence is currently insufficient to determine the role of this variant in disease. Therefore, it has been classified as a Variant of Uncertain Significance.

Illumina Laboratory Services, Illumina
Classification: Uncertain significance for Nephronophthisis 9. Last evaluated: 2018-01-13. Review status: criteria provided, single submitter. Criteria: ICSL Variant Classification Criteria 13 December 2019. Collection method: clinical testing. Allele origin: germline.